The following is an entry in ClinVar:

NM_001278716.2(FBXL4):c.1751G>T (p.Cys584Phe)

Gene: FBXL4 (F-box and leucine rich repeat protein 4; minus strand). Cytogenetic location: 6q16.1.
Variant type: single nucleotide variant.
Coding change: c.1751G>T on transcript NM_001278716.2 (MANE Select); coding-DNA position 1751, G replaced by T.
Protein change: p.Cys584Phe; replaces cysteine 584 with phenylalanine.
Molecular consequence: missense variant. On other transcripts: non-coding transcript variant (1).
Genome position (GRCh38, 1-based): chr6:98,874,393, C>A on the plus strand (G>T on the coding strand, the complement: FBXL4 is on the minus strand). VCF-style: chr6-98874393-C-A. GRCh37 (hg19) VCF-style: chr6-99322269-C-A.
Other names: c.1751G>T, p.Cys584Phe (NM_012160.5); short protein forms C584F.
Identifiers: ClinVar variation 437809 (VCV000437809.1), dbSNP rs115816653, ClinGen allele CA3933348.

ClinVar aggregate classification (germline): Uncertain significance (1 of 4 stars; one submission).

Conditions:
Mitochondrial DNA depletion syndrome 13. Also called: FBXL4-Related Encephalomyopathic Mitochondrial DNA Depletion Syndrome; Mitochondrial DNA depletion syndrome 13 (encephalomyopathic type). Identifiers: Orphanet 369897, MedGen C3809592, MONDO:0014198, OMIM 615471.

Allele frequency attached by ClinVar (database versions not stated): gnomAD exomes 0.00002 and 0.00001; gnomAD 0.00004; 1000 Genomes Project 30x 0.00016; 1000 Genomes Project 0.00020; TOPMed below 0.00001; ExAC 0.00002.
gnomAD v4.1: 16 of 1,613,110 alleles (0.00099%); highest among the groups gnomAD compares: African/African-American, 0.0027%; no homozygotes.

Submission:

Wong Mito Lab, Molecular and Human Genetics, Baylor College of Medicine
Classification: Uncertain significance for Mitochondrial DNA depletion syndrome 13. Last evaluated: 2017-08-10. Review status: criteria provided, single submitter. Criteria: ACMG Guidelines, 2015. Collection method: reference population. Allele origin: germline.
Comment: The NM_012160.4:c.1751G>T (NP_036292.2:p.Cys584Phe) [GRCH38: NC_000006.12:g.98874393C>A] variant in FBXL4 gene is interpretated to be a Uncertain Significance - Insufficient Evidence based on ACMG guidelines (PMID: 25741868). This variant meets one or more of the following evidence codes reported in the ACMG-guideline. PM2:This variant is absent in key population databases. PM5:This variant causes novel missense change at an amino acid residue where a different pathogenic missense change has been seen before. PP3:Computational evidence/predictors indicate the variant has deleterious effect on FBXL4 structure, function, or protein-protein interaction. Based on this evidence code ClinGen Pathogenicity Calculator (PMID:28081714) suggested that the variant is Uncertain Significance - Insufficient Evidence.